The following is an entry in ClinVar:

ClinVar aggregate classification (germline): Uncertain significance (1 of 4 stars; one submission).

Conditions:
Malignant hyperthermia, susceptibility to, 5 (MHS5). Also called: CACNA1S-Related Malignant Hyperthermia Susceptibility. Identifiers: Orphanet 423, MedGen C1866077, MONDO:0011163, OMIM 601887.
Hypokalemic periodic paralysis, type 1. Also called: Hypokalemic Periodic Paralysis Type 1 (AD); HypoPP. Identifiers: Orphanet 681, MedGen C3714580, MONDO:0042979, OMIM 170400.

gnomAD v4.1: 1 of 1,614,064 alleles (0.000062%); no homozygotes.

Submission:

Labcorp Genetics (formerly Invitae), Labcorp
Classification: Uncertain significance for Hypokalemic periodic paralysis, type 1; Malignant hyperthermia, susceptibility to, 5. Last evaluated: 2024-12-31. Review status: criteria provided, single submitter. Criteria: Invitae Variant Classification Sherloc (09022015). Collection method: clinical testing. Allele origin: germline.
Comment: This sequence change replaces serine, which is neutral and polar, with proline, which is neutral and non-polar, at codon 694 of the CACNA1S protein (p.Ser694Pro). This variant is not present in population databases (gnomAD no frequency). This variant has not been reported in the literature in individuals affected with CACNA1S-related conditions. Invitae Evidence Modeling of protein sequence and biophysical properties (such as structural, functional, and spatial information, amino acid conservation, physicochemical variation, residue mobility, and thermodynamic stability) indicates that this missense variant is not expected to disrupt CACNA1S protein function with a negative predictive value of 95%. In summary, the available evidence is currently insufficient to determine the role of this variant in disease. Therefore, it has been classified as a Variant of Uncertain Significance.

NM_000069.3(CACNA1S):c.2080T>C (p.Ser694Pro)

Gene: CACNA1S (calcium voltage-gated channel subunit alpha1 S; minus strand). Cytogenetic location: 1q32.1.
Variant type: single nucleotide variant.
Coding change: c.2080T>C on transcript NM_000069.3 (MANE Select); coding-DNA position 2080, T replaced by C.
Protein change: p.Ser694Pro; replaces serine 694 with proline.
Molecular consequence: missense variant.
Genome position (GRCh38, 1-based): chr1:201,073,626, A>G on the plus strand (T>C on the coding strand, the complement: CACNA1S is on the minus strand). VCF-style: chr1-201073626-A-G. GRCh37 (hg19) VCF-style: chr1-201042754-A-G.
Other names: short protein forms S694P.
Identifiers: ClinVar variation 3749376 (VCV003749376.2).